The following is an entry in ClinVar:

ClinVar aggregate classification (germline): Likely pathogenic. Review status: reviewed by expert panel (3 of 4 stars). 10 submissions from 10 submitters: Likely pathogenic (1). 9 of the submissions do not count toward it. Last evaluated 2025-10-16.

Conditions:
Cerebral creatine deficiency syndrome. Also called: Creatine deficiency syndromes. Identifiers: Orphanet 79172, MedGen C5244016, MONDO:0000456.
Deficiency of guanidinoacetate methyltransferase (CCDS2). Also called: Guanidinoacetate Methyltransferase (GAMT) Deficiency; GAMT DEFICIENCY; CEREBRAL CREATINE DEFICIENCY SYNDROME 2. Identifiers: Orphanet 382, MedGen C0574080, MONDO:0012999, OMIM 612736.

Allele frequency attached by ClinVar (database versions not stated): gnomAD exomes 0.00001 and 0.00002; TOPMed 0.00001.
gnomAD v4.1: 3 of 1,613,406 alleles (0.00019%); highest among the groups gnomAD compares: Admixed American, 0.0033%; no homozygotes.

Submissions (10):

ClinGen Cerebral Creatine Deficiency Syndromes Variant Curation Expert Panel, ClinGen
Classification: Likely pathogenic for Deficiency of guanidinoacetate methyltransferase. Last evaluated: 2025-10-16. Review status: reviewed by expert panel. Criteria: ClinGen CCDS ACMG Specifications GAMT V2.0.0. Collection method: curation. Allele origin: germline. Inheritance: Autosomal recessive inheritance.
Comment: The NM_000156.6:c.505T>A variant in GAMT is a missense variant predicted to cause substitution of a cysteine by tyrosine at amino acid 169 (p.Cys169Tyr). At least 4 unrelated probands and one sibling were found to be homozygous for the variant (PMID: 15651030, 2323426424415674, 24268530, 32606525) (max 2 x 0.5, PM3). Three individuals with the variant had elevated guanidinoacetate in plasma and/or urine); in addition, one individual showed absent creatine peak on brain MRS; another had deficient (<5% wild-type) GAMT activity in lymphoblasts ( PMID: 15651030, 24268530, 24415674). Two sibs had absent creatine peak on brain MRS (PMID: 32606525) (PP4_Strong). The highest population minor allele frequency in gnomAD v4.1.0. is 0.0000333 (2/60014 alleles) in the Admixed American population, which is lower than the ClinGen CCDS VCEP’s threshold for PM2_Supporting (<0.0004), meeting this criterion (PM2_Supporting). Expression of the variant in GAMT-deficient fibroblasts resulted in <5% wild type GAMT activity indicating that this variant may impact protein function (PMID: 24415674)(PS3_Supporting). The computational predictor REVEL gives a score of 0.754 which is in the range of 0.644-0.773, evidence that correlates with impact to GAMT function at the supporting level (PP3). There is a ClinVar entry for this variant (Variation ID: 8304). In summary, this variant meets the criteria to be classified as likely pathogenic for GAMT deficiency based on the GAMT-specific ACMG/AMP criteria applied, as specified by the ClinGen Cerebral Creatine Deficiency Syndromes Variant Curation Expert Panel (Specifications Version 2.0.0): PP4_Strong, PM3, PP3, PS3_Supporting, PM2_Supporting (Classification approved by the ClinGen Cerebral Creatine Deficiency Syndromes Variant Curation Expert Panel on October 16, 2025)

Labcorp Genetics (formerly Invitae), Labcorp
Classification: Pathogenic for Cerebral creatine deficiency syndrome. Last evaluated: 2026-01-19. Review status: criteria provided, single submitter. Criteria: Invitae Variant Classification Sherloc (09022015). Collection method: clinical testing. Allele origin: germline. Not counted in ClinVar's aggregate classification.
Comment: This sequence change replaces cysteine, which is neutral and slightly polar, with tyrosine, which is neutral and polar, at codon 169 of the GAMT protein (p.Cys169Tyr). This variant is present in population databases (rs121909272, gnomAD 0.006%). This missense change has been observed in individual(s) with cerebral creatine deficiency syndrome (PMID: 15651030, 23234264, 24415674). ClinVar contains an entry for this variant (Variation ID: 8304). Invitae Evidence Modeling of protein sequence and biophysical properties (such as structural, functional, and spatial information, amino acid conservation, physicochemical variation, residue mobility, and thermodynamic stability) indicates that this missense variant is expected to disrupt GAMT protein function with a positive predictive value of 95%. Experimental studies have shown that this missense change affects GAMT function (PMID: 24415674). This variant disrupts the p.Cys169 amino acid residue in GAMT. Other variant(s) that disrupt this residue have been observed in individuals with GAMT-related conditions (PMID: 23660394), which suggests that this may be a clinically significant amino acid residue. For these reasons, this variant has been classified as Pathogenic.

Natera, Inc.
Classification: Likely pathogenic for Guanidinoacetate methyltransferase deficiency. Last evaluated: 2024-11-04. Review status: criteria provided, single submitter. Criteria: Natera Variant Classification Schema (03/2026). Collection method: clinical testing. Allele origin: germline. Not counted in ClinVar's aggregate classification.
Comment: The c.506G>A variant in GAMT is a missense variant predicted to cause substitution of cysteine to tyrosine at amino acid 169. This variant is rare in the general population with a frequency below the threshold expected for the associated phenotype(s). This variant has been observed in one or more individuals affected with the associated recessive disease, as either homozygous or compound heterozygous with a second variant (PMID: 15651030, 32606525). Additionally, this variant has been observed to segregate in affected family members (PMID: 32606525). Functional studies show that this variant may disrupt protein function (PMID: 15651030). Computational prediction algorithms indicate this variant is likely to affect gene or protein function. Given the available evidence, this variant is classified as Likely Pathogenic.

Fulgent Genetics
Classification: Likely pathogenic for Deficiency of guanidinoacetate methyltransferase. Last evaluated: 2024-05-13. Review status: criteria provided, single submitter. Criteria: ACMG Guidelines, 2015. Collection method: clinical testing. Allele origin: germline. Not counted in ClinVar's aggregate classification.

Women's Health and Genetics/Laboratory Corporation of America, LabCorp
Classification: Pathogenic for Deficiency of guanidinoacetate methyltransferase. Last evaluated: 2024-05-03. Review status: criteria provided, single submitter. Criteria: LabCorp Variant Classification Summary - May 2015. Collection method: clinical testing. Allele origin: germline. Not counted in ClinVar's aggregate classification.
Comment: Variant summary: GAMT c.506G>A (p.Cys169Tyr) results in a non-conservative amino acid change in the encoded protein sequence. Five of five in-silico tools predict a damaging effect of the variant on protein function. The variant allele was found at a frequency of 1.6e-05 in 250898 control chromosomes. c.506G>A has been reported in the literature in at-least two individuals affected with Cerebral Creatine Deficiency Syndrome (example, Caldeira Araujo_2005, Mercimek-Mahmutoglu_2014). These data indicate that the variant is likely to be associated with disease. At least one publication reports experimental evidence evaluating an impact on protein function. The most pronounced variant effect results in diminished normal activity in fibroblast cell line (Mercimek-Mahmutoglu_2014). The following publications have been ascertained in the context of this evaluation (PMID: 15651030, 24415674). ClinVar contains an entry for this variant (Variation ID: 8304). Based on the evidence outlined above, the variant was classified as pathogenic.

GeneDx
Classification: Pathogenic. Last evaluated: 2023-06-23. Review status: criteria provided, single submitter. Criteria: GeneDx Variant Classification Process June 2021. Collection method: clinical testing. Allele origin: germline. Affected: yes. Not counted in ClinVar's aggregate classification.
Comment: Published functional studies demonstrate impaired protein expression and GAMT activity (Mercimek-Mahmutoglu et al., 2014); In silico analysis supports that this missense variant has a deleterious effect on protein structure/function; Not observed at significant frequency in large population cohorts (gnomAD); This variant is associated with the following publications: (PMID: 31589614, 23234264, 24268530, 19027335, 24415674, 15651030, 32606525)

Broad Center for Mendelian Genomics, Broad Institute of MIT and Harvard
Classification: Likely pathogenic for Cerebral creatine deficiency syndrome. Last evaluated: 2021-11-02. Review status: criteria provided, single submitter. Criteria: ACMG Guidelines, 2015. Collection method: curation. Allele origin: germline. Inheritance: Autosomal recessive inheritance. Not counted in ClinVar's aggregate classification.
Comment: The p.Cys169Tyr variant in GAMT has been reported in 4 individuals with cerebral creatine deficiency syndrome (PMID: 15651030, 24415674, 24268530, 32606525), segregated with disease in 1 affected relative from 1 family (PMID: 32606525), and has been identified in 0.006% (2/34566) of Latino/Admixed American chromosomes by the Genome Aggregation Database (gnomAD; dbSNP ID: rs121909272). Although this variant has been seen in the general population in a heterozygous state, its frequency is low enough to be consistent with a recessive carrier frequency. Of the 4 affected individuals, all of those were homozygotes which increases the likelihood that the p.Cys169Tyr variant is pathogenic (PMID: 15651030, 24415674, 24268530, 32606525). This variant has also been reported in ClinVar (Variation ID#: 8304) and has been interpreted as pathogenic by OMIM and Center of Genomic Medicine (Geneva, University Hospital of Geneva). In vitro functional studies provide some evidence that the p.Cys169Tyr variant may slightly impact protein function (PMID: 24415674). However, these types of assays may not accurately represent biological function. Computational prediction tools and conservation analyses suggest that this variant may impact the protein, though this information is not predictive enough to determine pathogenicity. The phenotype of individuals homozygous or compound heterozygous for this variant is highly specific for cerebral creatine deficiency syndrome based on strict biochemical investigations consistent with disease (PMID: 24415674, 2426853, 15651030, 32606525). In summary, although additional studies are required to fully establish its clinical significance, this variant is likely pathogenic for autosomal recessive cerebral creatine deficiency syndrome. ACMG/AMP Criteria applied: PM3, PM2_supporting, PP3, PS3_supporting, PP4_strong (Richards 2015).

Revvity Omics, Revvity
Classification: Likely pathogenic for Deficiency of guanidinoacetate methyltransferase. Last evaluated: 2021-04-01. Review status: criteria provided, single submitter. Criteria: ACMG Guidelines, 2015. Collection method: clinical testing. Allele origin: germline. Not counted in ClinVar's aggregate classification.

Center of Genomic medicine, Geneva, University Hospital of Geneva
Classification: Pathogenic for Deficiency of guanidinoacetate methyltransferase. Last evaluated: 2018-12-11. Review status: criteria provided, single submitter. Criteria: ACMG Guidelines, 2015. Collection method: clinical testing. Allele origin: maternal. Affected: yes. Observed: 3 variant alleles. Not counted in ClinVar's aggregate classification.

OMIM
Classification: Pathogenic for CEREBRAL CREATINE DEFICIENCY SYNDROME 2. Last evaluated: 2005-03-01. Review status: no assertion criteria provided. Collection method: literature only. Allele origin: germline. Not counted in ClinVar's aggregate classification.

Literature cited by the submitters: PubMed 15651030 (cited by 4 submitters); PubMed 23234264 (cited by Labcorp Genetics (formerly Invitae), Labcorp); PubMed 24415674 (cited by Labcorp Genetics (formerly Invitae), Labcorp and Women's Health and Genetics/Laboratory Corporation of America, LabCorp); PubMed 23660394 (cited by Labcorp Genetics (formerly Invitae), Labcorp); PubMed 32606525 (cited by Natera, Inc.).

NM_000156.6(GAMT):c.506G>A (p.Cys169Tyr)

Gene: GAMT (guanidinoacetate N-methyltransferase; minus strand). Cytogenetic location: 19p13.3.
Variant type: single nucleotide variant.
Coding change: c.506G>A on transcript NM_000156.6 (MANE Select); coding-DNA position 506, G replaced by A.
Protein change: p.Cys169Tyr; replaces cysteine 169 with tyrosine.
Molecular consequence: missense variant.
Genome position (GRCh38, 1-based): chr19:1,398,980, C>T on the plus strand (G>A on the coding strand, the complement: GAMT is on the minus strand). VCF-style: chr19-1398980-C-T. GRCh37 (hg19) VCF-style: chr19-1398979-C-T.
Other names: NM_000156.6(GAMT):c.506G>A; c.506G>A (NM_000156.4); c.506G>A, p.Cys169Tyr (NM_138924.3); short protein forms C169Y.
Identifiers: ClinVar variation 8304 (VCV000008304.23), dbSNP rs121909272, ClinGen allele CA254379.